The following is an entry in ClinVar:

ClinVar aggregate classification (germline): Likely benign. Review status: criteria provided, multiple submitters, no conflicts (2 of 4 stars). 3 submissions from 3 submitters: Likely benign (2). 1 of the submissions does not count toward it. Last evaluated 2024-09-16.

Conditions:
ABCA4-related disorder. Also called: ABCA4-related condition; ABCA4-related disorders. Identifiers: MedGen CN239167.

Allele frequency attached by ClinVar (database versions not stated): ExAC 0.00002; gnomAD exomes 0.00003 and 0.00004; gnomAD 0.00005; TOPMed 0.00006; ESP Exome Variant Server 0.00015.
gnomAD v4.1: 59 of 1,613,328 alleles (0.0037%); highest among the groups gnomAD compares: Non-Finnish European, 0.0047%; no homozygotes.

Submissions (3):

Labcorp Genetics (formerly Invitae), Labcorp
Classification: Likely benign. Last evaluated: 2024-09-16. Review status: criteria provided, single submitter. Criteria: Invitae Variant Classification Sherloc (09022015). Collection method: clinical testing. Allele origin: germline.

Blueprint Genetics
Classification: Likely benign. Last evaluated: 2024-09-13. Review status: criteria provided, single submitter. Criteria: ACMG Guidelines, 2015. Collection method: clinical testing. Allele origin: germline.

PreventionGenetics, part of Exact Sciences
Classification: Likely benign for ABCA4-related condition. Last evaluated: 2019-09-10. Review status: no assertion criteria provided. Collection method: clinical testing. Allele origin: germline. Not counted in ClinVar's aggregate classification.
Comment: This variant is classified as likely benign based on ACMG/AMP sequence variant interpretation guidelines (Richards et al. 2015 PMID: 25741868, with internal and published modifications).

NM_000350.3(ABCA4):c.1251T>C (p.Thr417=)

Gene: ABCA4 (ATP binding cassette subfamily A member 4; minus strand). Cytogenetic location: 1p22.1.
Variant type: single nucleotide variant.
Coding change: c.1251T>C on transcript NM_000350.3 (MANE Select); coding-DNA position 1251, T replaced by C.
Protein change: p.Thr417=; no amino-acid change (threonine 417 retained).
Molecular consequence: synonymous variant.
Genome position (GRCh38, 1-based): chr1:94,078,695, A>G on the plus strand (T>C on the coding strand, the complement: ABCA4 is on the minus strand). VCF-style: chr1-94078695-A-G. GRCh37 (hg19) VCF-style: chr1-94544251-A-G.
Other names: c.1251T>C, p.Thr417= (NM_001425324.1).
Identifiers: ClinVar variation 866460 (VCV000866460.15), dbSNP rs374336459, ClinGen allele CA958581.